The following is an entry in ClinVar:

NM_001365536.1(SCN9A):c.2840T>C (p.Val947Ala)

Genes: SCN9A (sodium voltage-gated channel alpha subunit 9; minus strand), SCN1A-AS1 (SCN1A and SCN9A antisense RNA 1; plus strand). Cytogenetic location: 2q24.3.
Variant type: single nucleotide variant.
Coding change: c.2840T>C on transcript NM_001365536.1 (MANE Select); coding-DNA position 2840, T replaced by C.
Protein change: p.Val947Ala; replaces valine 947 with alanine.
Molecular consequence: missense variant.
Genome position (GRCh38, 1-based): chr2:166,277,017, A>G on the plus strand (T>C on the coding strand, the complement: SCN9A is on the minus strand). VCF-style: chr2-166277017-A-G. GRCh37 (hg19) VCF-style: chr2-167133527-A-G.
Other names: c.2807T>C, p.Val936Ala (NM_002977.4); short protein forms V936A, V947A.
Identifiers: ClinVar variation 1192891 (VCV001192891.4), dbSNP rs1395440338, ClinGen allele CA349076986.

ClinVar aggregate classification (germline): Uncertain significance. Review status: criteria provided, multiple submitters, no conflicts (2 of 4 stars). 2 submissions from 2 submitters: Uncertain significance (2). Last evaluated 2024-02-16.

Conditions:
Neuropathy, hereditary sensory and autonomic, type 2A (HSAN2A). Also called: HSAN IIA; MORVAN DISEASE; NEUROPATHY, CONGENITAL SENSORY; NEUROPATHY, HEREDITARY SENSORY RADICULAR, AUTOSOMAL RECESSIVE; NEUROPATHY, HEREDITARY SENSORY, TYPE IIA; NEUROPATHY, PROGRESSIVE SENSORY, OF CHILDREN. Identifiers: Orphanet 970, MedGen C2752089, MONDO:0024309, OMIM 201300.
Generalized epilepsy with febrile seizures plus, type 7 (GEFSP7). Also called: GEFS+, TYPE 7. Identifiers: Orphanet 36387, MedGen C2751778, MONDO:0013470, OMIM 613863.

Allele frequency attached by ClinVar (database versions not stated): gnomAD exomes below 0.00001; TOPMed below 0.00001; gnomAD 0.00001.
gnomAD v4.1: 4 of 1,613,554 alleles (0.00025%); highest among the groups gnomAD compares: African/African-American, 0.0013%; no homozygotes.

Submissions (2):

Labcorp Genetics (formerly Invitae), Labcorp
Classification: Uncertain significance for Neuropathy, hereditary sensory and autonomic, type 2A; Generalized epilepsy with febrile seizures plus, type 7. Last evaluated: 2024-02-16. Review status: criteria provided, single submitter. Criteria: Invitae Variant Classification Sherloc (09022015). Collection method: clinical testing. Allele origin: germline.
Comment: This sequence change replaces valine, which is neutral and non-polar, with alanine, which is neutral and non-polar, at codon 936 of the SCN9A protein (p.Val936Ala). This variant is not present in population databases (gnomAD no frequency). This variant has not been reported in the literature in individuals affected with SCN9A-related conditions. ClinVar contains an entry for this variant (Variation ID: 1192891). Advanced modeling of protein sequence and biophysical properties (such as structural, functional, and spatial information, amino acid conservation, physicochemical variation, residue mobility, and thermodynamic stability) has been performed at Invitae for this missense variant, however the output from this modeling did not meet the statistical confidence thresholds required to predict the impact of this variant on SCN9A protein function. In summary, the available evidence is currently insufficient to determine the role of this variant in disease. Therefore, it has been classified as a Variant of Uncertain Significance.

GeneDx
Classification: Uncertain significance. Last evaluated: 2019-10-06. Review status: criteria provided, single submitter. Criteria: GeneDx Variant Classification Process June 2021. Collection method: clinical testing. Allele origin: germline. Affected: yes.
Comment: Not observed in large population cohorts (Lek et al., 2016); In silico analysis, which includes protein predictors and evolutionary conservation, supports a deleterious effect; Has not been previously published as pathogenic or benign to our knowledge